The following is an entry in ClinVar:

NM_004863.4(SPTLC2):c.1668G>A (p.Thr556=)

Gene: SPTLC2 (serine palmitoyltransferase long chain base subunit 2; minus strand). Cytogenetic location: 14q24.3.
Variant type: single nucleotide variant.
Coding change: c.1668G>A on transcript NM_004863.4 (MANE Select); coding-DNA position 1668, G replaced by A.
Protein change: p.Thr556=; no amino-acid change (threonine 556 retained).
Molecular consequence: synonymous variant.
Genome position (GRCh38, 1-based): chr14:77,512,305, C>T on the plus strand (G>A on the coding strand, the complement: SPTLC2 is on the minus strand). VCF-style: chr14-77512305-C-T. GRCh37 (hg19) VCF-style: chr14-77978648-C-T.
Identifiers: ClinVar variation 1143971 (VCV001143971.17), dbSNP rs370209646, ClinGen allele CA7289102.

ClinVar aggregate classification (germline): Likely benign. Review status: criteria provided, multiple submitters, no conflicts (2 of 4 stars). 2 submissions from 2 submitters: Likely benign (2). Last evaluated 2025-12-08.

Conditions:
Neuropathy, hereditary sensory and autonomic, type 1C. Also called: HSAN IC; HSN IC. Identifiers: Orphanet 36386, MedGen C3150896, MONDO:0013337, OMIM 613640.

Allele frequency attached by ClinVar (database versions not stated): gnomAD 0.00003 and 0.00004; ExAC 0.00006; ESP Exome Variant Server 0.00008.
gnomAD v4.1: 113 of 1,614,020 alleles (0.007%); highest among the groups gnomAD compares: Non-Finnish European, 0.009%; 1 homozygote.

Submissions (2):

Labcorp Genetics (formerly Invitae), Labcorp
Classification: Likely benign for Neuropathy, hereditary sensory and autonomic, type 1C. Last evaluated: 2025-12-08. Review status: criteria provided, single submitter. Criteria: Invitae Variant Classification Sherloc (09022015). Collection method: clinical testing. Allele origin: germline.

CeGaT Center for Human Genetics Tuebingen
Classification: Likely benign. Last evaluated: 2025-07-01. Review status: criteria provided, single submitter. Criteria: CeGaT Center For Human Genetics Tuebingen Variant Classification Criteria Version 2. Collection method: clinical testing. Allele origin: germline. Affected: yes. Observed: 1 variant allele.
Comment: SPTLC2: BP4, BP7